The following is an entry in ClinVar:

ClinVar aggregate classification (germline): Pathogenic (1 of 4 stars; one submission).

Conditions:
Agammaglobulinemia 8, autosomal dominant (AGM8A). Also called: AGAMMAGLOBULINEMIA, AUTOSOMAL DOMINANT, DUE TO TCF3 DEFECT; AGAMMAGLOBULINEMIA 8A, AUTOSOMAL DOMINANT. Identifiers: MedGen C4310786, MONDO:0014840, OMIM 616941.

Submission:

Victorian Clinical Genetics Services, Murdoch Childrens Research Institute
Classification: Pathogenic for Agammaglobulinemia 8, autosomal dominant. Last evaluated: 2024-10-09. Review status: criteria provided, single submitter. Criteria: ACMG Guidelines, 2015. Collection method: clinical testing. Allele origin: germline. Inheritance: Autosomal dominant inheritance. Affected: yes.
Comment: Based on the classification scheme VCGS_Germline_v1.3.4, this variant is classified as Pathogenic. Following criteria are met: 0103 - Dominant negative and loss of function are known mechanisms of disease in this gene. Haploinsufficiency and dominant negative are associated with autosomal dominant agammaglobulinemia 8A (MIM#616941), while biallelic loss of function variants are associated with autosomal recessive agammaglobulinemia 8B (MIM#619824) (PMID: 37277074). (I) 0108 - This gene is associated with both recessive and dominant disease (OMIM). (I) 0112 - The condition associated with this gene has incomplete penetrance. Monoallelic loss of function variants are known to have incomplete penetrance for autosomal dominant agammaglobulinemia 8A (MIM#616941) (PMID: 37277074). (I) 0201 - Variant is predicted to cause nonsense-mediated decay (NMD) and loss of protein (premature termination codon is located at least 54 nucleotides upstream of the final exon-exon junction). (SP) 0251 - This variant is heterozygous. (I) 0301 - Variant is absent from gnomAD (both v2 and v3). (SP) 0701 - Other NMD predicted variants comparable to the one identified in this case have very strong previous evidence for pathogenicity (DECIPHER, PMID: 37277074). (SP) 0807 - This variant has no previous evidence of pathogenicity. (I) 0905 - No published segregation evidence has been identified for this variant. (I) 1007 - No published functional evidence has been identified for this variant. (I) 1208 - Inheritance information for this variant is not currently available in this individual. (I) Legend: (SP) - Supporting pathogenic, (I) - Information, (SB) - Supporting benign

Literature cited by the submitters: PubMed 37277074.

NM_003200.5(TCF3):c.604del (p.Ser202fs)

Gene: TCF3 (transcription factor 3; minus strand). Cytogenetic location: 19p13.3.
Variant type: Deletion.
Coding change: c.604del on transcript NM_003200.5 (MANE Select); coding-DNA position 604, one base deleted (T; older notation c.604delT).
Protein change: p.Ser202fs; shifts the reading frame from serine 202.
Molecular consequence: frameshift variant.
Genome position (GRCh38, 1-based): chr19:1,622,361, A deleted on the plus strand (T on the coding strand, the reverse complement: TCF3 is on the minus strand). VCF-style (leftmost placement, unchanged base first): chr19-1622360-GA-G. GRCh37 (hg19) VCF-style: chr19-1622359-GA-G.
Other names: c.604del, p.Ser202fs (NM_001136139.4, NM_001351778.2, NM_001351779.2); short protein forms S202fs.
Identifiers: ClinVar variation 3377280 (VCV003377280.1).